The following is an entry in ClinVar:

NM_016239.4(MYO15A):c.3658G>C (p.Gly1220Arg)

Gene: MYO15A (myosin XVA; plus strand). Cytogenetic location: 17p11.2.
Variant type: single nucleotide variant.
Coding change: c.3658G>C on transcript NM_016239.4 (MANE Select); coding-DNA position 3658, G replaced by C.
Protein change: p.Gly1220Arg; replaces glycine 1220 with arginine.
Molecular consequence: missense variant.
Genome position (GRCh38, 1-based): chr17:18,124,531, G>C. VCF-style: chr17-18124531-G-C. GRCh37 (hg19) VCF-style: chr17-18027845-G-C.
Other names: short protein forms G1220R.
Identifiers: ClinVar variation 226785 (VCV000226785.18), dbSNP rs146754758, ClinGen allele CA8423528.

ClinVar aggregate classification (germline): Benign/Likely benign. Review status: criteria provided, multiple submitters, no conflicts (2 of 4 stars). 6 submissions from 6 submitters: Benign (1); Likely benign (4). 1 of the submissions does not count toward it. Last evaluated 2026-03-17.

Conditions:
MYO15A-related disorder. Also called: MYO15A-related condition.

Allele frequency attached by ClinVar (database versions not stated): 1000 Genomes Project 0.00040; 1000 Genomes Project 30x 0.00062; TOPMed 0.00097; ESP Exome Variant Server 0.00101.
gnomAD v4.1: 281 of 1,613,198 alleles (0.017%); highest among the groups gnomAD compares: African/African-American, 0.32%; 2 homozygotes.

Submissions (6):

Women's Health and Genetics/Laboratory Corporation of America, LabCorp
Classification: Likely benign. Last evaluated: 2026-03-17. Review status: criteria provided, single submitter. Criteria: LabCorp Variant Classification Summary - May 2015. Collection method: clinical testing. Allele origin: germline.
Comment: Variant summary: MYO15A c.3658G>C (p.Gly1220Arg) results in a non-conservative amino acid change in the encoded protein sequence. Algorithms developed to predict the effect of missense changes on protein structure and function are either unavailable or do not agree on the potential impact of this missense change. The variant allele was found at a frequency of 0.00024 in 247636 control chromosomes, predominantly at a frequency of 0.003 within the African or African-American subpopulation in the gnomAD database. The observed variant frequency within African or African-American control individuals in the gnomAD database exceeds the estimated maximal expected allele frequency for disease-causing variants in MYO15A. c.3658G>C has been observed in two individuals affected with Autosomal Recessive Nonsyndromic Hearing Loss 3 without strong evidence for causality (Woo_2013). These report(s) do not provide unequivocal conclusions about association of the variant with Autosomal Recessive Nonsyndromic Hearing Loss 3. To our knowledge, no experimental evidence demonstrating an impact on protein function has been reported. The following publication have been ascertained in the context of this evaluation (PMID: 23865914). ClinVar contains an entry for this variant (Variation ID: 226785). Based on the evidence outlined above, the variant was classified as likely benign.

Labcorp Genetics (formerly Invitae), Labcorp
Classification: Likely benign. Last evaluated: 2026-01-28. Review status: criteria provided, single submitter. Criteria: Invitae Variant Classification Sherloc (09022015). Collection method: clinical testing. Allele origin: germline.

Blueprint Genetics
Classification: Likely benign. Last evaluated: 2024-10-18. Review status: criteria provided, single submitter. Criteria: ACMG Guidelines, 2015. Collection method: clinical testing. Allele origin: germline.

GeneDx
Classification: Likely benign. Last evaluated: 2021-03-17. Review status: criteria provided, single submitter. Criteria: GeneDx Variant Classification Process June 2021. Collection method: clinical testing. Allele origin: germline. Affected: yes.
Comment: This variant is associated with the following publications: (PMID: 23865914)

Laboratory for Molecular Medicine, Mass General Brigham Personalized Medicine
Classification: Benign. Last evaluated: 2015-06-01. Review status: criteria provided, single submitter. Criteria: LMM Criteria. Collection method: clinical testing. Allele origin: germline. Observed: 2 variant alleles.
Comment: p.Gly1220Arg in exon 3 of MYO15A: This variant is not expected to have clinical significance it has been identified in 12/194 of CHB (Chinese) chromosomes by t he 1000 Genomes project and in 0.3% (27/9574) of African chromosomes by the Exom e Aggregation Consortium (ExAC; dbSNP rs14675475 8). In addition, the glycine (Gly) residue at position 1220 is not conserved thr ough species, with more than 10 mammals having an arginine (Arg) at this positio n.

PreventionGenetics, part of Exact Sciences
Classification: Likely benign for MYO15A-related condition. Last evaluated: 2020-03-02. Review status: no assertion criteria provided. Collection method: clinical testing. Allele origin: germline. Not counted in ClinVar's aggregate classification.
Comment: This variant is classified as likely benign based on ACMG/AMP sequence variant interpretation guidelines (Richards et al. 2015 PMID: 25741868, with internal and published modifications).

Literature cited by the submitters: PubMed 23865914 (cited by Women's Health and Genetics/Laboratory Corporation of America, LabCorp).